The following is an entry in ClinVar:

NM_000350.3(ABCA4):c.5986G>A (p.Ala1996Thr)

Gene: ABCA4 (ATP binding cassette subfamily A member 4; minus strand). Cytogenetic location: 1p22.1.
Variant type: single nucleotide variant.
Coding change: c.5986G>A on transcript NM_000350.3 (MANE Select); coding-DNA position 5986, G replaced by A.
Protein change: p.Ala1996Thr; replaces alanine 1996 with threonine.
Molecular consequence: missense variant.
Genome position (GRCh38, 1-based): chr1:94,007,653, C>T on the plus strand (G>A on the coding strand, the complement: ABCA4 is on the minus strand). VCF-style: chr1-94007653-C-T. GRCh37 (hg19) VCF-style: chr1-94473209-C-T.
Other names: NM_000350.3(ABCA4):c.5986G>A; p.Ala1996Thr; c.5764G>A, p.Ala1922Thr (NM_001425324.1); short protein forms A1996T, A1922T.
Identifiers: ClinVar variation 1367009 (VCV001367009.9), dbSNP rs2101003223, ClinGen allele CA341279420.

ClinVar aggregate classification (germline): Uncertain significance. Review status: reviewed by expert panel (3 of 4 stars). 2 submissions from 2 submitters: Uncertain significance (1). 1 of the submissions does not count toward it. Last evaluated 2026-05-05.

Conditions:
ABCA4-related retinopathy. Also called: ABCA4-related retinoapthy; ABCA4 retinoapthy. Identifiers: MedGen CN322612, MONDO:0800406.

Submissions (2):

ClinGen ABCA4 Variant Curation Expert Panel, Clingen
Classification: Uncertain significance for ABCA4-related retinopathy. Last evaluated: 2026-05-05. Review status: reviewed by expert panel. Criteria: ClinGen ABCA4 ACMG Specifications V1.0.0. Collection method: curation. Allele origin: germline. Inheritance: Autosomal recessive inheritance.
Comment: The NM_000350.3(ABCA4)c.5986G>A variant in ABCA4 is a missense variant predicted to cause substitution of alanine by threonine at amino acid 1996 (p.Ala1996Thr). This variant is absent from gnomAD v4.1.0 (PM2_Supporting). The computational predictor REVEL gives a score of 0.925 which is above the threshold of >0.772 meeting PP3_Moderate. To our knowledge, this variant has not been reported in the literature in any individuals with ABCA4-related retinopathy. In summary, this variant meets the criteria to be classified as a VUS for ABCA4-related retinopathy based on the ACMG/AMP criteria applied, as specified by the ClinGen ABCA4 VCEP specification Version 1.0.0: PM2_Supporting, PP3_Moderate.

Labcorp Genetics (formerly Invitae), Labcorp
Classification: Likely pathogenic. Last evaluated: 2023-02-17. Review status: criteria provided, single submitter. Criteria: Invitae Variant Classification Sherloc (09022015). Collection method: clinical testing. Allele origin: germline. Not counted in ClinVar's aggregate classification.
Comment: This sequence change replaces alanine, which is neutral and non-polar, with threonine, which is neutral and polar, at codon 1996 of the ABCA4 protein (p.Ala1996Thr). This variant is not present in population databases (gnomAD no frequency). This missense change has been observed in individual(s) with Stargardt disease (Invitae). ClinVar contains an entry for this variant (Variation ID: 1367009). Advanced modeling of protein sequence and biophysical properties (such as structural, functional, and spatial information, amino acid conservation, physicochemical variation, residue mobility, and thermodynamic stability) performed at Invitae indicates that this missense variant is expected to disrupt ABCA4 protein function. In summary, the currently available evidence indicates that the variant is pathogenic, but additional data are needed to prove that conclusively. Therefore, this variant has been classified as Likely Pathogenic.